The following is an entry in ClinVar:

NM_000170.3(GLDC):c.1444dup (p.Asp482fs)

Gene: GLDC (glycine decarboxylase; minus strand). Cytogenetic location: 9p24.1.
Variant type: Duplication.
Coding change: c.1444dup on transcript NM_000170.3 (MANE Select); coding-DNA position 1444, one base duplicated (G; older notation c.1444dupG).
Protein change: p.Asp482fs; shifts the reading frame from aspartic acid 482.
Molecular consequence: frameshift variant.
Genome position (GRCh38, 1-based): chr9:6,592,181, C duplicated on the plus strand (G on the coding strand, the reverse complement: GLDC is on the minus strand); the first of 2 consecutive C bases (chr9:6,592,181-6,592,182); duplicating either gives the same sequence. VCF-style (leftmost placement, unchanged base first): chr9-6592180-T-TC. GRCh37 (hg19) VCF-style: chr9-6592180-T-TC.
Other names: c.1444dupG (NM_000170.2); short protein forms D482fs.
Identifiers: ClinVar variation 56045 (VCV000056045.13), dbSNP rs386833526, ClinGen allele CA263298.

ClinVar aggregate classification (germline): Pathogenic. Review status: criteria provided, multiple submitters, no conflicts (2 of 4 stars). 3 submissions from 3 submitters: Pathogenic (2). 1 of the submissions does not count toward it. Last evaluated 2025-11-29.

Conditions:
Glycine encephalopathy. Also called: Nonketotic hyperglycinemia; Non-ketotic hyperglycinemia. Identifiers: Orphanet 407, MedGen C0751748, MONDO:0011612, HP:0008288.

Submissions (3):

Natera, Inc.
Classification: Pathogenic for Non-ketotic hyperglycinemia. Last evaluated: 2025-11-29. Review status: criteria provided, single submitter. Criteria: Natera Variant Classification Schema (03/2026). Collection method: clinical testing. Allele origin: germline.
Comment: The c.1444dupG variant in GLDC is a frameshift variant predicted to shift the reading frame beginning at codon 482 and leads to a stop codon 10 codons downstream. This variant is expected to result in nonsense mediated decay, truncation, or a dysfunctional protein product. This variant is rare in the general population with a frequency below the threshold expected for the associated phenotype(s). This variant has been observed in one or more individuals affected with the associated recessive disease, as either homozygous or compound heterozygous with a second variant (PMID: 16450403). Given the available evidence, this variant is classified as Pathogenic.

Labcorp Genetics (formerly Invitae), Labcorp
Classification: Pathogenic for Glycine encephalopathy. Last evaluated: 2020-12-03. Review status: criteria provided, single submitter. Criteria: Invitae Variant Classification Sherloc (09022015). Collection method: clinical testing. Allele origin: germline.
Comment: For these reasons, this variant has been classified as Pathogenic. This variant has been observed in individual(s) with clinical features of glycine encephalopathy (PMID: 16450403). This variant is also known as c.1443insG in the literature. ClinVar contains an entry for this variant (Variation ID: 56045). This variant is not present in population databases (ExAC no frequency). This sequence change creates a premature translational stop signal (p.Asp482Glyfs*10) in the GLDC gene. It is expected to result in an absent or disrupted protein product. Loss-of-function variants in GLDC are known to be pathogenic (PMID: 16601880).

Juha Muilu Group; Institute for Molecular Medicine Finland (FIMM)
Classification: Likely pathogenic for Non-ketotic hyperglycinemia. Review status: no assertion criteria provided. Collection method: not provided. Allele origin: unknown. Not counted in ClinVar's aggregate classification.
Comment: FinDis database variant: This variant was not found or characterized by our laboratory, data were collected from public sources: see reference
ClinVar note: Converted during submission from probable-pathogenic to Likely pathogenic.

Literature cited by the submitters: PubMed 16450403 (cited by Natera, Inc. and Labcorp Genetics (formerly Invitae), Labcorp); PubMed 16601880 (cited by Labcorp Genetics (formerly Invitae), Labcorp).